The following is an entry in ClinVar:

NM_018062.4(FANCL):c.885_886insA (p.Ala296fs)

Gene: FANCL (FA complementation group L; minus strand). Cytogenetic location: 2p16.1.
Variant type: Insertion.
Coding change: c.885_886insA on transcript NM_018062.4 (MANE Select); coding-DNA positions 885 to 886, A inserted.
Protein change: p.Ala296fs; shifts the reading frame from alanine 296.
Molecular consequence: frameshift variant.
Genome position: GRCh38 VCF-style: chr2-58162883-C-CT. GRCh37 (hg19) VCF-style: chr2-58390018-C-CT.
Other names: c.900_901insA, p.Ala301Serfs (NM_001114636.2); c.930_931insA, p.Ala311fs (NM_001374615.1); c.945_946insA, p.Ala316fs (NM_001410792.1); short protein forms A311fs, A301fs, A296fs, A316fs.
Identifiers: ClinVar variation 2089737 (VCV002089737.4), dbSNP rs2466606027, ClinGen allele CA2580067520.

ClinVar aggregate classification (germline): Pathogenic (1 of 4 stars; one submission).

Conditions:
Fanconi anemia (FA). Also called: Fanconi's anemia. Identifiers: Orphanet 84, MedGen C0015625, MeSH D005199, MONDO:0019391.

Submission:

Labcorp Genetics (formerly Invitae), Labcorp
Classification: Pathogenic for Fanconi anemia. Last evaluated: 2024-02-24. Review status: criteria provided, single submitter. Criteria: Invitae Variant Classification Sherloc (09022015). Collection method: clinical testing. Allele origin: germline.
Comment: This sequence change creates a premature translational stop signal (p.Ala296Serfs*7) in the FANCL gene. It is expected to result in an absent or disrupted protein product. Loss-of-function variants in FANCL are known to be pathogenic (PMID: 19405097, 23613520). This variant is not present in population databases (gnomAD no frequency). This variant has not been reported in the literature in individuals affected with FANCL-related conditions. ClinVar contains an entry for this variant (Variation ID: 2089737). Algorithms developed to predict the effect of sequence changes on RNA splicing suggest that this variant may disrupt the consensus splice site. For these reasons, this variant has been classified as Pathogenic.

Literature cited by the submitters: PubMed 19405097; PubMed 23613520.